The following is an entry in ClinVar:

ClinVar aggregate classification (germline): Conflicting classifications of pathogenicity. Review status: criteria provided, conflicting classifications (1 of 4 stars). 3 submissions from 3 submitters: Uncertain significance (2); Likely benign (1). Last evaluated 2025-08-20.

Conditions:
Hereditary cancer-predisposing syndrome. Also called: Hereditary neoplastic syndrome; Neoplastic Syndromes, Hereditary; Tumor predisposition; Hereditary Cancer Syndrome. Identifiers: Orphanet 140162, MedGen C0027672, MeSH D009386, MONDO:0015356.
Familial cancer of breast. Also called: Hereditary breast cancer; hereditary breast carcinoma; BREAST CANCER, FAMILIAL. Identifiers: Orphanet 227535, MedGen C0346153, MONDO:0016419, OMIM 114480. Disease mechanism: loss of function.

Allele frequency attached by ClinVar (database versions not stated): gnomAD exomes below 0.00001; ExAC 0.00001; gnomAD 0.00001; 1000 Genomes Project 30x 0.00016; 1000 Genomes Project 0.00020.
gnomAD v4.1: 3 of 1,614,048 alleles (0.00019%); highest among the groups gnomAD compares: South Asian, 0.0022%; no homozygotes.

Submissions (3):

Labcorp Genetics (formerly Invitae), Labcorp
Classification: Uncertain significance for Familial cancer of breast. Last evaluated: 2025-08-20. Review status: criteria provided, single submitter. Criteria: Invitae Variant Classification Sherloc (09022015). Collection method: clinical testing. Allele origin: germline.
Comment: This sequence change replaces asparagine, which is neutral and polar, with aspartic acid, which is acidic and polar, at codon 318 of the BARD1 protein (p.Asn318Asp). This variant is present in population databases (rs565582076, gnomAD 0.003%). This variant has not been reported in the literature in individuals affected with BARD1-related conditions. ClinVar contains an entry for this variant (Variation ID: 1004916). An algorithm developed to predict the effect of missense changes on protein structure and function (PolyPhen-2) suggests that this variant is likely to be tolerated. In summary, the available evidence is currently insufficient to determine the role of this variant in disease. Therefore, it has been classified as a Variant of Uncertain Significance.

Color Diagnostics, LLC DBA Color Health
Classification: Uncertain significance for Hereditary cancer-predisposing syndrome. Last evaluated: 2024-03-06. Review status: criteria provided, single submitter. Criteria: ACMG Guidelines, 2015. Collection method: clinical testing. Allele origin: germline.
Comment: This missense variant replaces asparagine with aspartic acid at codon 318 of the BARD1 protein. Computational prediction suggests that this variant may not impact protein structure and function (internally defined REVEL score threshold <= 0.5, PMID: 27666373). To our knowledge, functional studies have not been reported for this variant. This variant has not been reported in individuals affected with hereditary cancer in the literature. This variant has been identified in 1/245728 chromosomes in the general population by the Genome Aggregation Database (gnomAD). The available evidence is insufficient to determine the role of this variant in disease conclusively. Therefore, this variant is classified as a Variant of Uncertain Significance.

Ambry Genetics
Classification: Likely benign for Hereditary cancer-predisposing syndrome. Last evaluated: 2024-02-26. Review status: criteria provided, single submitter. Criteria: Ambry Variant Classification Scheme 2023. Collection method: clinical testing. Allele origin: germline.

NM_000465.4(BARD1):c.952A>G (p.Asn318Asp)

Gene: BARD1 (BRCA1 associated RING domain 1; minus strand). Cytogenetic location: 2q35.
Variant type: single nucleotide variant.
Coding change: c.952A>G on transcript NM_000465.4 (MANE Select); coding-DNA position 952, A replaced by G.
Protein change: p.Asn318Asp; replaces asparagine 318 with aspartic acid.
Molecular consequence: missense variant. On other transcripts: non-coding transcript variant (2), intron variant (3).
Genome position (GRCh38, 1-based): chr2:214,780,922, T>C on the plus strand (A>G on the coding strand, the complement: BARD1 is on the minus strand). VCF-style: chr2-214780922-T-C. GRCh37 (hg19) VCF-style: chr2-215645646-T-C.
Other names: c.895A>G, p.Asn299Asp (NM_001282543.2); c.159-28367A>G (NM_001282548.2); c.215+16139A>G (NM_001282545.2); c.364+11375A>G (NM_001282549.2); short protein forms N299D, N318D.
Identifiers: ClinVar variation 1004916 (VCV001004916.14), dbSNP rs565582076, ClinGen allele CA2090359.